The following is an entry in ClinVar:

NM_001365925.2(NLGN1):c.1047G>A (p.Glu349=)

Gene: NLGN1 (neuroligin 1; plus strand). Cytogenetic location: 3q26.31.
Variant type: single nucleotide variant.
Coding change: c.1047G>A on transcript NM_001365925.2 (MANE Select); coding-DNA position 1047, G replaced by A.
Protein change: p.Glu349=; no amino-acid change (glutamic acid 349 retained).
Molecular consequence: synonymous variant.
Genome position (GRCh38, 1-based): chr3:174,278,988, G>A. VCF-style: chr3-174278988-G-A. GRCh37 (hg19) VCF-style: chr3-173996778-G-A.
Other names: c.1047G>A, p.Glu349= (NM_001365923.2, NM_001365924.2, NM_001365926.2 and 2 more transcripts); c.987G>A, p.Glu329= (NM_001365929.2, NM_001365930.2, NM_001365931.2 and 3 more transcripts); c.960G>A, p.Glu320= (NM_001365934.2, NM_001365935.2, NM_001365936.2).
Identifiers: ClinVar variation 3057261 (VCV003057261.2), dbSNP rs1025774287, ClinGen allele CA88352984.

ClinVar aggregate classification (germline): Likely benign (0 of 4 stars; one submission).

Conditions:
NLGN1-related disorder. Also called: NLGN1-related condition.

Allele frequency attached by ClinVar (database versions not stated): gnomAD 0.00001; gnomAD exomes 0.00002; TOPMed 0.00002.
gnomAD v4.1: 22 of 1,584,418 alleles (0.0014%); highest among the groups gnomAD compares: South Asian, 0.0023%; no homozygotes.

Submission:

PreventionGenetics, part of Exact Sciences
Classification: Likely benign for NLGN1-related condition. Last evaluated: 2019-02-28. Review status: no assertion criteria provided. Collection method: clinical testing. Allele origin: germline.
Comment: This variant is classified as likely benign based on ACMG/AMP sequence variant interpretation guidelines (Richards et al. 2015 PMID: 25741868, with internal and published modifications).